The following is an entry in ClinVar:

ClinVar aggregate classification (germline): Pathogenic (1 of 4 stars; one submission).

Conditions:
Fanconi anemia (FA). Also called: Fanconi's anemia. Identifiers: Orphanet 84, MedGen C0015625, MeSH D005199, MONDO:0019391.

Submission:

Labcorp Genetics (formerly Invitae), Labcorp
Classification: Pathogenic for Fanconi anemia. Last evaluated: 2021-08-08. Review status: criteria provided, single submitter. Criteria: Invitae Variant Classification Sherloc (09022015). Collection method: clinical testing. Allele origin: germline.
Comment: This variant is a gross deletion of the genomic region encompassing exon(s) 6-43 of the FANCA gene, which includes the termination codon. This deletion extends beyond the assayed region for this gene and therefore may encompass additional genes. While this deletion is not anticipated to lead to nonsense mediated decay, it is expected to alter mRNA translation or result in a truncated protein product. This variant has not been reported in the literature in individuals affected with FANCA-related conditions. The region of the FANCA gene that includes exon(s) 31-43 has been determined to be clinically significant (PMID: 19367192, 23613520, 29098742). Therefore, deletions that encompass that region are likely to be disease-causing. For these reasons, this variant has been classified as Pathogenic.

Literature cited by the submitters: PubMed 19367192; PubMed 23613520; PubMed 29098742.

NC_000016.9:g.(?_89804999)_(89874785_?)del

Genes: FANCA (FA complementation group A; minus strand), ZNF276 (zinc finger protein 276; plus strand). Cytogenetic location: 16q24.3.
Variant type: Deletion.
Identifiers: ClinVar variation 1459492 (VCV001459492.4).